The following is an entry in ClinVar:

NM_032436.4(CHAMP1):c.677A>G (p.Lys226Arg)

Gene: CHAMP1 (chromosome alignment maintaining phosphoprotein 1; plus strand). Cytogenetic location: 13q34.
Variant type: single nucleotide variant.
Coding change: c.677A>G on transcript NM_032436.4 (MANE Select); coding-DNA position 677, A replaced by G.
Protein change: p.Lys226Arg; replaces lysine 226 with arginine.
Molecular consequence: missense variant.
Genome position (GRCh38, 1-based): chr13:114,324,519, A>G. VCF-style: chr13-114324519-A-G. GRCh37 (hg19) VCF-style: chr13-115089994-A-G.
Other names: c.677A>G (NM_001164145.2); c.677A>G, p.Lys226Arg (NM_001164144.3, NM_001164145.3); short protein forms K226R.
Identifiers: ClinVar variation 2392512 (VCV002392512.3), dbSNP rs144012078, ClinGen allele CA7070665.
Genomic context (GRCh38, chr13:114,324,519, plus strand): 5'-AACCACAGAAACCTGCCCCTGTATCTCCTGAGTCAGTAAAGGCTACTCTTAGTAATCCCA[A>G]ACCCCAGAAGCAGTCTCATTTCCCGGAAACATTGGGGCCACCTTCAGCCTCATCTCCAGA-3'
Protein context (NP_115812.1, residues 216-236): ESVKATLSNP[Lys226Arg]PQKQSHFPET

ClinVar aggregate classification (germline): Uncertain significance. Review status: criteria provided, multiple submitters, no conflicts (2 of 4 stars). 2 submissions from 2 submitters: Uncertain significance (2). Last evaluated 2024-11-04.

Conditions:
CHAMP1-related disorder. Also called: CHAMP1-related condition.
Inborn genetic diseases. Identifiers: MedGen C0950123, MeSH D030342.

Allele frequency attached by ClinVar (database versions not stated): ExAC 0.00002; gnomAD exomes 0.00002; gnomAD 0.00004; TOPMed 0.00004; ESP Exome Variant Server 0.00023.
gnomAD v4.1: 42 of 1,613,888 alleles (0.0026%); highest among the groups gnomAD compares: Non-Finnish European, 0.0032%; no homozygotes.

Submissions (2):

PreventionGenetics, part of Exact Sciences
Classification: Uncertain significance for CHAMP1-related condition. Last evaluated: 2024-11-04. Review status: criteria provided, single submitter. Criteria: ACMG Guidelines, 2015. Collection method: clinical testing. Allele origin: germline.
Comment: The CHAMP1 c.677A>G variant is predicted to result in the amino acid substitution p.Lys226Arg. To our knowledge, this variant has not been reported in the literature. This variant is reported in 0.0062% of alleles in individuals of African descent in gnomAD. At this time, the clinical significance of this variant is uncertain due to the absence of conclusive functional and genetic evidence.

Ambry Genetics
Classification: Uncertain significance for Inborn genetic diseases. Last evaluated: 2021-08-12. Review status: criteria provided, single submitter. Criteria: Ambry Variant Classification Scheme 2023. Collection method: clinical testing. Allele origin: germline.